The following is an entry in ClinVar:

NM_001366385.1(CARD14):c.1534G>C (p.Ala512Pro)

Gene: CARD14 (caspase recruitment domain family member 14; plus strand). Cytogenetic location: 17q25.3.
Variant type: single nucleotide variant.
Coding change: c.1534G>C on transcript NM_001366385.1 (MANE Select); coding-DNA position 1534, G replaced by C.
Protein change: p.Ala512Pro; replaces alanine 512 with proline.
Molecular consequence: missense variant. On other transcripts: non-coding transcript variant (1).
Genome position (GRCh38, 1-based): chr17:80,195,592, G>C. VCF-style: chr17-80195592-G-C. GRCh37 (hg19) VCF-style: chr17-78169391-G-C.
Other names: c.1534G>C, p.Ala512Pro (NM_024110.4, NM_001257970.1); c.823G>C, p.Ala275Pro (NM_052819.3); short protein forms A275P, A512P.
Identifiers: ClinVar variation 851739 (VCV000851739.10), dbSNP rs200536688, ClinGen allele CA8816862.

ClinVar aggregate classification (germline): Uncertain significance (1 of 4 stars; one submission).

Conditions:
Pityriasis rubra pilaris (PRP). Also called: Pityriasis rubra pilaris--familial type. Identifiers: Orphanet 2897, MedGen C0032027, MONDO:0100017, OMIM 173200, MONDO:0008251.
Psoriasis 2. Identifiers: MedGen C1864497, MONDO:0011269, OMIM 602723.

Allele frequency attached by ClinVar (database versions not stated): TOPMed 0.00001; ExAC 0.00004; 1000 Genomes Project 30x 0.00031; 1000 Genomes Project 0.00040.

Submission:

Labcorp Genetics (formerly Invitae), Labcorp
Classification: Uncertain significance for Pityriasis rubra pilaris; Psoriasis 2. Last evaluated: 2025-10-02. Review status: criteria provided, single submitter. Criteria: Invitae Variant Classification Sherloc (09022015). Collection method: clinical testing. Allele origin: germline.
Comment: This sequence change replaces alanine, which is neutral and non-polar, with proline, which is neutral and non-polar, at codon 512 of the CARD14 protein (p.Ala512Pro). This variant is present in population databases (rs200536688, gnomAD 0.02%). This variant has not been reported in the literature in individuals affected with CARD14-related conditions. ClinVar contains an entry for this variant (Variation ID: 851739). Invitae Evidence Modeling of protein sequence and biophysical properties (such as structural, functional, and spatial information, amino acid conservation, physicochemical variation, residue mobility, and thermodynamic stability) indicates that this missense variant is not expected to disrupt CARD14 protein function with a negative predictive value of 95%. In summary, the available evidence is currently insufficient to determine the role of this variant in disease. Therefore, it has been classified as a Variant of Uncertain Significance.